The following is an entry in ClinVar:

NM_032601.4(MCEE):c.166C>T (p.Pro56Ser)

Gene: MCEE (methylmalonyl-CoA epimerase; minus strand). Cytogenetic location: 2p13.3.
Variant type: single nucleotide variant.
Coding change: c.166C>T on transcript NM_032601.4 (MANE Select); coding-DNA position 166, C replaced by T.
Protein change: p.Pro56Ser; replaces proline 56 with serine.
Molecular consequence: missense variant.
Genome position (GRCh38, 1-based): chr2:71,124,418, G>A on the plus strand (C>T on the coding strand, the complement: MCEE is on the minus strand). VCF-style: chr2-71124418-G-A. GRCh37 (hg19) VCF-style: chr2-71351548-G-A.
Other names: short protein forms P56S.
Identifiers: ClinVar variation 1385948 (VCV001385948.3), dbSNP rs187576440, ClinGen allele CA1702634.

ClinVar aggregate classification (germline): Uncertain significance (1 of 4 stars; one submission).

Conditions:
Methylmalonic acidemia due to methylmalonyl-CoA epimerase deficiency. Also called: METHYLMALONIC ACIDURIA III; Methylmalonyl-CoA Epimerase Deficiency; METHYLMALONYL-CoA RACEMASE DEFICIENCY. Identifiers: Orphanet 308425, MedGen C1855100, MONDO:0009615, OMIM 251120.

Allele frequency attached by ClinVar (database versions not stated): ExAC 0.00002; gnomAD 0.00003 and 0.00004; gnomAD exomes 0.00003 and 0.00014; 1000 Genomes Project 0.00020; 1000 Genomes Project 30x 0.00031.
gnomAD v4.1: 201 of 1,614,116 alleles (0.012%); highest among the groups gnomAD compares: Non-Finnish European, 0.017%; no homozygotes.

Submission:

Labcorp Genetics (formerly Invitae), Labcorp
Classification: Uncertain significance for Methylmalonic acidemia due to methylmalonyl-CoA epimerase deficiency. Last evaluated: 2021-10-31. Review status: criteria provided, single submitter. Criteria: Invitae Variant Classification Sherloc (09022015). Collection method: clinical testing. Allele origin: germline.
Comment: This sequence change replaces proline, which is neutral and non-polar, with serine, which is neutral and polar, at codon 56 of the MCEE protein (p.Pro56Ser). This variant is present in population databases (rs187576440, gnomAD 0.006%). This variant has not been reported in the literature in individuals affected with MCEE-related conditions. Algorithms developed to predict the effect of missense changes on protein structure and function (SIFT, PolyPhen-2, Align-GVGD) all suggest that this variant is likely to be disruptive. In summary, the available evidence is currently insufficient to determine the role of this variant in disease. Therefore, it has been classified as a Variant of Uncertain Significance.